The following is an entry in ClinVar:

ClinVar aggregate classification (germline): Uncertain significance (1 of 4 stars; one submission).

Conditions:
Hereditary cancer-predisposing syndrome. Also called: Neoplastic Syndromes, Hereditary; Tumor predisposition; Hereditary neoplastic syndrome; Hereditary Cancer Syndrome. Identifiers: Orphanet 140162, MedGen C0027672, MeSH D009386, MONDO:0015356.
Cardiovascular phenotype. Identifiers: MedGen CN230736.

Submission:

Ambry Genetics
Classification: Uncertain significance for Cardiovascular phenotype; Hereditary cancer-predisposing syndrome. Last evaluated: 2024-11-22. Review status: criteria provided, single submitter. Criteria: Ambry Variant Classification Scheme 2023. Collection method: clinical testing. Allele origin: germline.
Comment: The p.R1413K variant (also known as c.4238G>A), located in coding exon 31 of the NF1 gene, results from a G to A substitution at nucleotide position 4238. The arginine at codon 1413 is replaced by lysine, an amino acid with highly similar properties. This amino acid position is highly conserved in available vertebrate species. In addition, the in silico prediction for this alteration is inconclusive. Based on the available evidence, the clinical significance of this variant remains unclear.

NM_001042492.3(NF1):c.4301G>A (p.Arg1434Lys)

Gene: NF1 (neurofibromin 1; plus strand). Cytogenetic location: 17q11.2.
Variant type: single nucleotide variant.
Coding change: c.4301G>A on transcript NM_001042492.3 (MANE Select); coding-DNA position 4301, G replaced by A.
Protein change: p.Arg1434Lys; replaces arginine 1434 with lysine.
Molecular consequence: missense variant.
Genome position (GRCh38, 1-based): chr17:31,258,471, G>A. VCF-style: chr17-31258471-G-A. GRCh37 (hg19) VCF-style: chr17-29585489-G-A.
Other names: c.4238G>A, p.Arg1413Lys (NM_000267.4); short protein forms R1413K, R1434K.
Identifiers: ClinVar variation 824709 (VCV000824709.5), dbSNP rs1597744780, ClinGen allele CA398998066.